The following is an entry in ClinVar:

NM_000751.3(CHRND):c.565G>A (p.Glu189Lys)

Gene: CHRND (cholinergic receptor nicotinic delta subunit; plus strand). Cytogenetic location: 2q37.1.
Variant type: single nucleotide variant.
Coding change: c.565G>A on transcript NM_000751.3 (MANE Select); coding-DNA position 565, G replaced by A.
Protein change: p.Glu189Lys; replaces glutamic acid 189 with lysine.
Molecular consequence: missense variant. On other transcripts: intron variant (1).
Genome position (GRCh38, 1-based): chr2:232,528,917, G>A. VCF-style: chr2-232528917-G-A. GRCh37 (hg19) VCF-style: chr2-233393627-G-A.
Other names: c.520G>A, p.Glu174Lys (NM_001256657.2); c.262G>A, p.Glu88Lys (NM_001311196.2); c.238+261G>A (NM_001311195.2); short protein forms E189K, E88K, E174K.
Identifiers: ClinVar variation 3631897 (VCV003631897.1).

ClinVar aggregate classification (germline): Uncertain significance (1 of 4 stars; one submission).

Conditions:
Lethal multiple pterygium syndrome (LMPS). Identifiers: Orphanet 33108, MedGen C1854678, MONDO:0009668, OMIM 253290.

gnomAD v4.1: 3 of 1,614,104 alleles (0.00019%); highest among the groups gnomAD compares: Admixed American, 0.005%; no homozygotes.

Submission:

Labcorp Genetics (formerly Invitae), Labcorp
Classification: Uncertain significance for Lethal multiple pterygium syndrome. Last evaluated: 2024-03-02. Review status: criteria provided, single submitter. Criteria: Invitae Variant Classification Sherloc (09022015). Collection method: clinical testing. Allele origin: germline.
Comment: This sequence change replaces glutamic acid, which is acidic and polar, with lysine, which is basic and polar, at codon 189 of the CHRND protein (p.Glu189Lys). This variant is present in population databases (no rsID available, gnomAD 0.003%). This variant has not been reported in the literature in individuals affected with CHRND-related conditions. Advanced modeling of protein sequence and biophysical properties (such as structural, functional, and spatial information, amino acid conservation, physicochemical variation, residue mobility, and thermodynamic stability) performed at Invitae indicates that this missense variant is not expected to disrupt CHRND protein function with a negative predictive value of 95%. In summary, the available evidence is currently insufficient to determine the role of this variant in disease. Therefore, it has been classified as a Variant of Uncertain Significance.